The following is an entry in ClinVar:

NM_006947.4(SRP72):c.493G>T (p.Val165Phe)

Gene: SRP72 (signal recognition particle 72; plus strand). Cytogenetic location: 4q12.
Variant type: single nucleotide variant.
Coding change: c.493G>T on transcript NM_006947.4 (MANE Select); coding-DNA position 493, G replaced by T.
Protein change: p.Val165Phe; replaces valine 165 with phenylalanine.
Molecular consequence: missense variant. On other transcripts: non-coding transcript variant (1).
Genome position (GRCh38, 1-based): chr4:56,474,192, G>T. VCF-style: chr4-56474192-G-T. GRCh37 (hg19) VCF-style: chr4-57340358-G-T.
Other names: c.493G>T, p.Val165Phe (NM_001267722.2); short protein forms V165F.
Identifiers: ClinVar variation 3449398 (VCV003449398.1).

ClinVar aggregate classification (germline): Uncertain significance (1 of 4 stars; one submission).

Submission:

Ambry Genetics
Classification: Uncertain significance. Last evaluated: 2024-11-22. Review status: criteria provided, single submitter. Criteria: Ambry Variant Classification Scheme 2023. Collection method: clinical testing. Allele origin: germline.
Comment: The p.V165F variant (also known as c.493G>T), located in coding exon 4 of the SRP72 gene, results from a G to T substitution at nucleotide position 493. The valine at codon 165 is replaced by phenylalanine, an amino acid with highly similar properties. This amino acid position is conserved. In addition, this alteration is predicted to be tolerated by in silico analysis. Based on the available evidence, the clinical significance of this variant remains unclear.